The following is an entry in ClinVar:

NM_004260.4(RECQL4):c.2600C>T (p.Ala867Val)

Gene: RECQL4 (RecQ like helicase 4; minus strand). Cytogenetic location: 8q24.3.
Variant type: single nucleotide variant.
Coding change: c.2600C>T on transcript NM_004260.4 (MANE Select); coding-DNA position 2600, C replaced by T.
Protein change: p.Ala867Val; replaces alanine 867 with valine.
Molecular consequence: missense variant.
Genome position (GRCh38, 1-based): chr8:144,513,002, G>A on the plus strand (C>T on the coding strand, the complement: RECQL4 is on the minus strand). VCF-style: chr8-144513002-G-A. GRCh37 (hg19) VCF-style: chr8-145738385-G-A.
Other names: short protein forms A867V.
Identifiers: ClinVar variation 1376482 (VCV001376482.6), dbSNP rs2130671496, ClinGen allele CA372676897.
Genomic context (GRCh38, chr8:144,513,002, plus strand): 5'-TGGCTAAGCTGCTCAGCCTCTTGAGGGGGGTACTTGGGCACAGGCCTCTCCCCACCCACG[G>A]CCCCTTCCTGCTCCGAGGGCGGCCTGGTGCAGGTGCAGGTGCAGGCTGGGAACACGCGCT-3'
Protein context (NP_004251.4, residues 857-877): CTRPPSEQEG[Ala867Val]VGGERPVPKY

ClinVar aggregate classification (germline): Uncertain significance (1 of 4 stars; one submission).

Conditions:
Baller-Gerold syndrome (BGS). Also called: CRANIOSYNOSTOSIS WITH RADIAL DEFECTS. Identifiers: Orphanet 1225, MedGen C0265308, MONDO:0009039, OMIM 218600.

Submission:

Labcorp Genetics (formerly Invitae), Labcorp
Classification: Uncertain significance for Baller-Gerold syndrome. Last evaluated: 2022-11-25. Review status: criteria provided, single submitter. Criteria: Invitae Variant Classification Sherloc (09022015). Collection method: clinical testing. Allele origin: germline.
Comment: In summary, the available evidence is currently insufficient to determine the role of this variant in disease. Therefore, it has been classified as a Variant of Uncertain Significance. This sequence change replaces alanine, which is neutral and non-polar, with valine, which is neutral and non-polar, at codon 867 of the RECQL4 protein (p.Ala867Val). This variant is not present in population databases (gnomAD no frequency). This variant has not been reported in the literature in individuals affected with RECQL4-related conditions. ClinVar contains an entry for this variant (Variation ID: 1376482). Experimental studies and prediction algorithms are not available or were not evaluated, and the functional significance of this variant is currently unknown.